The following is an entry in ClinVar:

NM_138694.4(PKHD1):c.11399G>A (p.Gly3800Glu)

Gene: PKHD1 (PKHD1 ciliary IPT domain containing fibrocystin/polyductin; minus strand). Cytogenetic location: 6p12.3.
Variant type: single nucleotide variant.
Coding change: c.11399G>A on transcript NM_138694.4 (MANE Select); coding-DNA position 11399, G replaced by A.
Protein change: p.Gly3800Glu; replaces glycine 3800 with glutamic acid.
Molecular consequence: missense variant.
Genome position (GRCh38, 1-based): chr6:51,638,956, C>T on the plus strand (G>A on the coding strand, the complement: PKHD1 is on the minus strand). VCF-style: chr6-51638956-C-T. GRCh37 (hg19) VCF-style: chr6-51503754-C-T.
Other names: short protein forms G3800E.
Identifiers: ClinVar variation 458587 (VCV000458587.9), dbSNP rs1554169587, ClinGen allele CA364422049.

ClinVar aggregate classification (germline): Uncertain significance (1 of 4 stars; one submission).

Conditions:
Autosomal recessive polycystic kidney disease (ARPKD). Also called: AR polycystic kidney disease. Identifiers: Orphanet 731, Orphanet 8378, MedGen C0085548, MeSH D017044, MONDO:0009889.

Submission:

Labcorp Genetics (formerly Invitae), Labcorp
Classification: Uncertain significance for Autosomal recessive polycystic kidney disease. Last evaluated: 2017-06-26. Review status: criteria provided, single submitter. Criteria: Invitae Variant Classification Sherloc (09022015). Collection method: clinical testing. Allele origin: germline.
Comment: This variant has not been reported in the literature in individuals with PKHD1-related disease. In summary, the available evidence is currently insufficient to determine the role of this variant in disease. Therefore, it has been classified as a Variant of Uncertain Significance. Algorithms developed to predict the effect of missense changes on protein structure and function do not agree on the potential impact of this missense change (SIFT: "Deleterious"; PolyPhen-2: "Possibly Damaging"; Align-GVGD: "Class C0"). This variant is not present in population databases (ExAC no frequency). This sequence change replaces glycine with glutamic acid at codon 3800 of the PKHD1 protein (p.Gly3800Glu). The glycine residue is moderately conserved and there is a moderate physicochemical difference between glycine and glutamic acid.